The following is an entry in ClinVar:

NM_001077365.2(POMT1):c.587C>T (p.Ala196Val)

Gene: POMT1 (protein O-mannosyltransferase 1; plus strand). Cytogenetic location: 9q34.13.
Variant type: single nucleotide variant.
Coding change: c.587C>T on transcript NM_001077365.2 (MANE Select); coding-DNA position 587, C replaced by T.
Protein change: p.Ala196Val; replaces alanine 196 with valine.
Molecular consequence: missense variant. On other transcripts: non-coding transcript variant (10).
Genome position (GRCh38, 1-based): chr9:131,509,790, C>T. VCF-style: chr9-131509790-C-T. GRCh37 (hg19) VCF-style: chr9-134385177-C-T.
Other names: c.587C>T (NM_007171.3); c.587C>T, p.Ala196Val (NM_001374690.1, NM_001136113.2, NM_001353193.2 and 1 more transcripts); c.236C>T, p.Ala79Val (NM_001374691.1, NM_001353195.2, NM_001353199.2 and 2 more transcripts); c.497C>T, p.Ala166Val (NM_001353196.2); c.425C>T, p.Ala142Val (NM_001353197.2, NM_001353198.2, NM_001374689.1 and 3 more transcripts); c.131C>T, p.Ala44Val (NM_001353200.2, NM_001374695.1); c.-550C>T (NM_001411024.1); short protein forms A142V, A166V, A44V, A196V, A79V.
Identifiers: ClinVar variation 2016617 (VCV002016617.5), dbSNP rs761346672, ClinGen allele CA5293330.

ClinVar aggregate classification (germline): Uncertain significance. Review status: criteria provided, multiple submitters, no conflicts (2 of 4 stars). 2 submissions from 2 submitters: Uncertain significance (2). Last evaluated 2025-08-31.

Conditions:
Walker-Warburg congenital muscular dystrophy. Also called: Muscular dystrophy-dystroglycanopathy, type A; Walker-Warburg syndrome. Identifiers: Orphanet 899, MedGen C0265221, MONDO:0000171.
Muscular dystrophy-dystroglycanopathy (congenital with impaired intellectual development), type B, 1. Also called: MUSCULAR DYSTROPHY, CONGENITAL, POMT1-RELATED; Muscular dystrophy-dystroglycanopathy (congenital with intellectual disability), type B1. Identifiers: MedGen C5436962, MONDO:0013159, OMIM 613155.
Autosomal recessive limb-girdle muscular dystrophy type 2K. Also called: MUSCULAR DYSTROPHY-DYSTROGLYCANOPATHY (LIMB-GIRDLE), TYPE C, 1; MUSCULAR DYSTROPHY, LIMB-GIRDLE, TYPE 2K. Identifiers: Orphanet 86812, MedGen C1836373, MONDO:0012248, OMIM 609308.
Inborn genetic diseases. Identifiers: MedGen C0950123, MeSH D030342.

Allele frequency attached by ClinVar (database versions not stated): gnomAD 0.00001; gnomAD exomes 0.00002; ExAC 0.00005; TOPMed below 0.00001.
gnomAD v4.1: 12 of 1,614,106 alleles (0.00074%); highest among the groups gnomAD compares: Admixed American, 0.02%; no homozygotes.

Submissions (2):

Ambry Genetics
Classification: Uncertain significance for Inborn genetic diseases. Last evaluated: 2025-08-31. Review status: criteria provided, single submitter. Criteria: Ambry Variant Classification Scheme 2023. Collection method: clinical testing. Allele origin: germline.

Labcorp Genetics (formerly Invitae), Labcorp
Classification: Uncertain significance for Muscular dystrophy-dystroglycanopathy (congenital with impaired intellectual development), type B, 1; Walker-Warburg congenital muscular dystrophy; Autosomal recessive limb-girdle muscular dystrophy type 2K. Last evaluated: 2023-08-11. Review status: criteria provided, single submitter. Criteria: Invitae Variant Classification Sherloc (09022015). Collection method: clinical testing. Allele origin: germline.
Comment: This variant is present in population databases (rs761346672, gnomAD 0.03%). This sequence change replaces alanine, which is neutral and non-polar, with valine, which is neutral and non-polar, at codon 196 of the POMT1 protein (p.Ala196Val). This variant has not been reported in the literature in individuals affected with POMT1-related conditions. In summary, the available evidence is currently insufficient to determine the role of this variant in disease. Therefore, it has been classified as a Variant of Uncertain Significance. Advanced modeling of protein sequence and biophysical properties (such as structural, functional, and spatial information, amino acid conservation, physicochemical variation, residue mobility, and thermodynamic stability) has been performed at Invitae for this missense variant, however the output from this modeling did not meet the statistical confidence thresholds required to predict the impact of this variant on POMT1 protein function. ClinVar contains an entry for this variant (Variation ID: 2016617).